The following is an entry in ClinVar:

NM_014297.5(ETHE1):c.379T>C (p.Leu127=)

Gene: ETHE1 (ETHE1 persulfide dioxygenase; minus strand). Cytogenetic location: 19q13.31.
Variant type: single nucleotide variant.
Coding change: c.379T>C on transcript NM_014297.5 (MANE Select); coding-DNA position 379, T replaced by C.
Protein change: p.Leu127=; no amino-acid change (leucine 127 retained).
Molecular consequence: synonymous variant.
Genome position (GRCh38, 1-based): chr19:43,511,563, A>G on the plus strand (T>C on the coding strand, the complement: ETHE1 is on the minus strand). VCF-style: chr19-43511563-A-G. GRCh37 (hg19) VCF-style: chr19-44015715-A-G.
Other names: c.346T>C, p.Leu116= (NM_001320867.2); c.10T>C, p.Leu4= (NM_001320868.2); c.85T>C, p.Leu29= (NM_001320869.2).
Identifiers: ClinVar variation 383519 (VCV000383519.9), dbSNP rs150091315, ClinGen allele CA9487865.

ClinVar aggregate classification (germline): Likely benign. Review status: criteria provided, multiple submitters, no conflicts (2 of 4 stars). 2 submissions from 2 submitters: Likely benign (2). Last evaluated 2025-03-17.

Conditions:
Ethylmalonic encephalopathy (EE). Also called: Syndrome of encephalopathy, petechiae, and ethylmalonic aciduria; EPEMA syndrome; Encephalopathy, petechiae, and ethylmalonic aciduria. Identifiers: Orphanet 51188, MedGen C1865349, MONDO:0011229, OMIM 602473. Disease mechanism: loss of function.

Allele frequency attached by ClinVar (database versions not stated): gnomAD exomes below 0.00001 and 0.00001; ExAC 0.00002; gnomAD 0.00006 and 0.00008; ESP Exome Variant Server 0.00008; TOPMed 0.00009.
gnomAD v4.1: 16 of 1,613,380 alleles (0.00099%); highest among the groups gnomAD compares: African/African-American, 0.019%; 1 homozygote.

Submissions (2):

Labcorp Genetics (formerly Invitae), Labcorp
Classification: Likely benign for Ethylmalonic encephalopathy. Last evaluated: 2025-03-17. Review status: criteria provided, single submitter. Criteria: Invitae Variant Classification Sherloc (09022015). Collection method: clinical testing. Allele origin: germline.

GeneDx
Classification: Likely benign. Last evaluated: 2016-03-17. Review status: criteria provided, single submitter. Criteria: GeneDx Variant Classification (06012015). Collection method: clinical testing. Allele origin: germline. Affected: yes.
Comment: This variant is considered likely benign or benign based on one or more of the following criteria: it is a conservative change, it occurs at a poorly conserved position in the protein, it is predicted to be benign by multiple in silico algorithms, and/or has population frequency not consistent with disease.